The following is an entry in ClinVar:

ClinVar aggregate classification (germline): Uncertain significance (1 of 4 stars; one submission).

Conditions:
Alstrom syndrome (ALMS). Identifiers: Orphanet 64, MedGen C0268425, MONDO:0008763, OMIM 203800.

Submission:

Labcorp Genetics (formerly Invitae), Labcorp
Classification: Uncertain significance for Alstrom syndrome. Last evaluated: 2021-12-26. Review status: criteria provided, single submitter. Criteria: Invitae Variant Classification Sherloc (09022015). Collection method: clinical testing. Allele origin: germline.
Comment: This sequence change replaces serine, which is neutral and polar, with asparagine, which is neutral and polar, at codon 2582 of the ALMS1 protein (p.Ser2582Asn). This variant is not present in population databases (gnomAD no frequency). This variant has not been reported in the literature in individuals affected with ALMS1-related conditions. Experimental studies and prediction algorithms are not available or were not evaluated, and the functional significance of this variant is currently unknown. In summary, the available evidence is currently insufficient to determine the role of this variant in disease. Therefore, it has been classified as a Variant of Uncertain Significance.

NM_001378454.1(ALMS1):c.7742G>A (p.Ser2581Asn)

Gene: ALMS1 (ALMS1 centrosome and basal body associated protein; plus strand). Cytogenetic location: 2p13.1.
Variant type: single nucleotide variant.
Coding change: c.7742G>A on transcript NM_001378454.1 (MANE Select); coding-DNA position 7742, G replaced by A.
Protein change: p.Ser2581Asn; replaces serine 2581 with asparagine.
Molecular consequence: missense variant.
Genome position (GRCh38, 1-based): chr2:73,489,701, G>A. VCF-style: chr2-73489701-G-A. GRCh37 (hg19) VCF-style: chr2-73716828-G-A.
Other names: c.7745G>A, p.Ser2582Asn (NM_015120.4); short protein forms S2582N, S2581N.
Identifiers: ClinVar variation 2137503 (VCV002137503.1), dbSNP rs2466212333, ClinGen allele CA347263973.